The following is an entry in ClinVar:

NM_000059.4(BRCA2):c.1228A>T (p.Lys410Ter)

Gene: BRCA2 (BRCA2 DNA repair associated; plus strand). Cytogenetic location: 13q13.1.
Variant type: single nucleotide variant.
Coding change: c.1228A>T on transcript NM_000059.4 (MANE Select); coding-DNA position 1228, A replaced by T.
Protein change: p.Lys410Ter; replaces lysine 410 with a stop codon.
Molecular consequence: nonsense.
Genome position (GRCh38, 1-based): chr13:32,332,706, A>T. VCF-style: chr13-32332706-A-T. GRCh37 (hg19) VCF-style: chr13-32906843-A-T.
Other names: c.1228A>T (NM_000059.3); short protein forms K410*.
Identifiers: ClinVar variation 1074393 (VCV001074393.8), dbSNP rs2137468996, ClinGen allele CA387762175.
Genomic context (GRCh38, chr13:32,332,706, plus strand): 5'-TCTTTGGCCTGTGAATGGTCTCAACTAACCCTTTCAGGTCTAAATGGAGCCCAGATGGAG[A>T]AAATACCCCTATTGCATATTTCTTCATGTGACCAAAATATTTCAGAAAAAGACCTATTAG-3'

ClinVar aggregate classification (germline): Pathogenic. Review status: criteria provided, multiple submitters, no conflicts (2 of 4 stars). 2 submissions from 2 submitters: Pathogenic (2). Last evaluated 2024-12-04.

Conditions:
Hereditary breast ovarian cancer syndrome. Also called: Hereditary breast and ovarian cancer; Breast and ovarian cancer; BRCA1- and BRCA2-Associated Hereditary Breast and Ovarian Cancer; Hereditary breast and/or ovarian cancer syndrome; Hereditary breast and ovarian cancer syndrome; Hereditary breast and ovarian cancer syndrome (HBOC). Identifiers: Orphanet 145, MedGen C0677776, MeSH D061325, MONDO:0003582. Disease mechanism: loss of function.
Hereditary cancer-predisposing syndrome. Also called: Tumor predisposition; Hereditary neoplastic syndrome; Neoplastic Syndromes, Hereditary; Hereditary Cancer Syndrome. Identifiers: Orphanet 140162, MedGen C0027672, MeSH D009386, MONDO:0015356.

Submissions (2):

Ambry Genetics
Classification: Pathogenic for Hereditary cancer-predisposing syndrome. Last evaluated: 2024-12-04. Review status: criteria provided, single submitter. Criteria: Ambry Variant Classification Scheme 2023. Collection method: clinical testing. Allele origin: germline.
Comment: The p.K410* pathogenic mutation (also known as c.1228A>T), located in coding exon 9 of the BRCA2 gene, results from an A to T substitution at nucleotide position 1228. This changes the amino acid from a lysine to a stop codon within coding exon 9. This variant was detected in 0/143 individuals with breast cancer and 1/382 with ovarian cancer from Peru (Ferreyra Y et al. Front Oncol, 2023 Aug;13:1227864). This variant is considered to be rare based on population cohorts in the Genome Aggregation Database (gnomAD). This alteration is expected to result in loss of function by premature protein truncation or nonsense-mediated mRNA decay. As such, this alteration is interpreted as a disease-causing mutation.

Labcorp Genetics (formerly Invitae), Labcorp
Classification: Pathogenic for Hereditary breast ovarian cancer syndrome. Last evaluated: 2020-09-26. Review status: criteria provided, single submitter. Criteria: Invitae Variant Classification Sherloc (09022015). Collection method: clinical testing. Allele origin: germline.
Comment: For these reasons, this variant has been classified as Pathogenic. Loss-of-function variants in BRCA2 are known to be pathogenic (PMID: 20104584). This variant has not been reported in the literature in individuals with BRCA2-related conditions. This variant is not present in population databases (ExAC no frequency). This sequence change creates a premature translational stop signal (p.Lys410*) in the BRCA2 gene. It is expected to result in an absent or disrupted protein product.

Literature cited by the submitters: PubMed 37664050 (cited by Ambry Genetics); PubMed 20104584 (cited by Labcorp Genetics (formerly Invitae), Labcorp).